The following is an entry in ClinVar:

NC_000005.9:g.(?_110427987)_(110446997_?)dup

Gene: WDR36 (WD repeat domain 36; plus strand). Cytogenetic location: 5q22.1.
Variant type: Duplication.
Identifiers: ClinVar variation 1450802 (VCV001450802.5).

ClinVar aggregate classification (germline): Uncertain significance (1 of 4 stars; one submission).

Submission:

Labcorp Genetics (formerly Invitae), Labcorp
Classification: Uncertain significance. Last evaluated: 2023-12-07. Review status: criteria provided, single submitter. Criteria: Invitae Variant Classification Sherloc (09022015). Collection method: clinical testing. Allele origin: germline.
Comment: This variant results in a copy number gain of the genomic region encompassing exon(s) 1-15 of the WDR36 gene. This region includes the initiator codon of the gene. This copy number gain extends beyond the assayed region for this gene and therefore may encompass additional genes. As the precise location of this event is unknown, it may be in tandem or it may be located elsewhere in the genome. This variant has not been reported in the literature in individuals affected with WDR36-related conditions. In summary, the available evidence is currently insufficient to determine the role of this variant in disease. Therefore, it has been classified as a Variant of Uncertain Significance.